The following is an entry in ClinVar:

ClinVar aggregate classification (germline): Uncertain significance (1 of 4 stars; one submission).

Conditions:
Inborn genetic diseases. Identifiers: MedGen C0950123, MeSH D030342.

gnomAD v4.1: 1 of 1,614,090 alleles (0.000062%); highest among the groups gnomAD compares: South Asian, 0.0011%; no homozygotes.

Submission:

Ambry Genetics
Classification: Uncertain significance for Inborn genetic diseases. Last evaluated: 2023-09-17. Review status: criteria provided, single submitter. Criteria: Ambry Variant Classification Scheme 2023. Collection method: clinical testing. Allele origin: germline.
Comment: The p.Y2249H variant (also known as c.6745T>C), located in coding exon 45 of the LRRK2 gene, results from a T to C substitution at nucleotide position 6745. The tyrosine at codon 2249 is replaced by histidine, an amino acid with similar properties. This amino acid position is conserved. In addition, this alteration is predicted to be tolerated by in silico analysis. Since supporting evidence is limited at this time, the clinical significance of this alteration remains unclear.

NM_198578.4(LRRK2):c.6745T>C (p.Tyr2249His)

Gene: LRRK2 (leucine rich repeat kinase 2; plus strand). Cytogenetic location: 12q12.
Variant type: single nucleotide variant.
Coding change: c.6745T>C on transcript NM_198578.4 (MANE Select); coding-DNA position 6745, T replaced by C.
Protein change: p.Tyr2249His; replaces tyrosine 2249 with histidine.
Molecular consequence: missense variant.
Genome position (GRCh38, 1-based): chr12:40,354,467, T>C. VCF-style: chr12-40354467-T-C. GRCh37 (hg19) VCF-style: chr12-40748269-T-C.
Other names: short protein forms Y2249H.
Identifiers: ClinVar variation 3229754 (VCV003229754.1), dbSNP rs2499993938, ClinGen allele CA384409568.